The following is an entry in ClinVar:

NM_003476.5(CSRP3):c.414+1G>T

Gene: CSRP3 (cysteine and glycine rich protein 3; minus strand). Cytogenetic location: 11p15.1.
Variant type: single nucleotide variant.
Coding change: c.414+1G>T on transcript NM_003476.5 (MANE Select); the canonical splice donor site of the intron after coding-DNA position 414, G replaced by T.
Molecular consequence: splice donor variant.
Genome position (GRCh38, 1-based): chr11:19,186,215, C>A on the plus strand (G>T on the coding strand, the complement: CSRP3 is on the minus strand). VCF-style: chr11-19186215-C-A. GRCh37 (hg19) VCF-style: chr11-19207762-C-A.
Other names: c.414+1G>T (NM_003476.3); c.245+1G>T (NM_001369404.1).
Identifiers: ClinVar variation 915578 (VCV000915578.7), dbSNP rs935867046, ClinGen allele CA218632981.

ClinVar aggregate classification (germline): Likely pathogenic. Review status: criteria provided, multiple submitters, no conflicts (2 of 4 stars). 3 submissions from 3 submitters: Likely pathogenic (3). Last evaluated 2025-07-09.

Conditions:
Cardiovascular phenotype. Identifiers: MedGen CN230736.
Hypertrophic cardiomyopathy 12. Identifiers: MedGen C2677491, MONDO:0012804, OMIM 612124.
Dilated cardiomyopathy 1M (CMD1M). Identifiers: Orphanet 154, MedGen C1843808, MONDO:0011840, OMIM 607482.
Cardiomyopathy (CMYO). Also called: Cardiomyopathies. Identifiers: Orphanet 167848, MedGen C0878544, MONDO:0004994, HP:0001638. Inheritance: Various modes of inheritance.

Allele frequency attached by ClinVar (database versions not stated): TOPMed 0.00001.

Submissions (3):

Labcorp Genetics (formerly Invitae), Labcorp
Classification: Likely pathogenic for Hypertrophic cardiomyopathy 12; Dilated cardiomyopathy 1M. Last evaluated: 2025-07-09. Review status: criteria provided, single submitter. Criteria: Invitae Variant Classification Sherloc (09022015). Collection method: clinical testing. Allele origin: germline.
Comment: This sequence change affects a donor splice site in intron 5 of the CSRP3 gene. It is expected to disrupt RNA splicing. Variants that disrupt the donor or acceptor splice site typically lead to a loss of protein function (PMID: 16199547), and loss-of-function variants in CSRP3 are known to be pathogenic (PMID: 12642359, 14567970, 16352453, 20087448, 34558151). This variant is not present in population databases (gnomAD no frequency). This variant has not been reported in the literature in individuals affected with CSRP3-related conditions. ClinVar contains an entry for this variant (Variation ID: 915578). Algorithms developed to predict the effect of sequence changes on RNA splicing suggest that this variant may disrupt the consensus splice site. In summary, the currently available evidence indicates that the variant is pathogenic, but additional data are needed to prove that conclusively. Therefore, this variant has been classified as Likely Pathogenic.

Ambry Genetics
Classification: Likely pathogenic for Cardiovascular phenotype. Last evaluated: 2025-01-06. Review status: criteria provided, single submitter. Criteria: Ambry Variant Classification Scheme 2023. Collection method: clinical testing. Allele origin: germline.
Comment: The c.414+1G>T intronic variant results from a G to T substitution one nucleotide after coding exon 3 of the CSRP3 gene. This alteration occurs at the 3' terminus of the CSRP3 gene, is not expected to trigger nonsense-mediated mRNA decay, and impacts the last 36% of the protein. The exact functional effect of this alteration is unknown; however, a significant portion of the protein is affected (Ambry internal data). This variant has been detected in the homozygous state in three individuals with hypertrophic cardiomyopathy (HCM) (Allouba M et al. Eur Heart J, 2023 Jul). This variant is considered to be rare based on population cohorts in the Genome Aggregation Database (gnomAD). This nucleotide position is highly conserved in available vertebrate species. In silico splice site analysis predicts that this alteration will weaken the native splice donor site and may result in the creation or strengthening of a novel splice donor site. Based on the majority of available evidence to date, this variant is likely to be pathogenic; however, in the heterozygous state, this variant may present with reduced penetrance and expressivity.

CHEO Genetics Diagnostic Laboratory, Children's Hospital of Eastern Ontario
Classification: Likely pathogenic for Cardiomyopathy. Last evaluated: 2018-02-21. Review status: criteria provided, single submitter. Criteria: ACMG Guidelines, 2015. Collection method: clinical testing. Allele origin: germline.

Literature cited by the submitters: PubMed 16199547 (cited by Labcorp Genetics (formerly Invitae), Labcorp); PubMed 12642359 (cited by Labcorp Genetics (formerly Invitae), Labcorp); PubMed 14567970 (cited by Labcorp Genetics (formerly Invitae), Labcorp); PubMed 16352453 (cited by Labcorp Genetics (formerly Invitae), Labcorp); PubMed 20087448 (cited by Labcorp Genetics (formerly Invitae), Labcorp); PubMed 34558151 (cited by Labcorp Genetics (formerly Invitae), Labcorp); PubMed 37431535 (cited by Ambry Genetics).